The following is an entry in ClinVar:

Conditions:
Breast-ovarian cancer, familial, susceptibility to, 1 (BROVCA1). Also called: BRCA1 Hereditary Breast and Ovarian Cancer; OVARIAN CANCER, SUSCEPTIBILITY TO. Identifiers: Orphanet 145, MedGen C2676676, MONDO:0011450, OMIM 604370. Disease mechanism: loss of function.

Allele frequency attached by ClinVar (database versions not stated): gnomAD exomes below 0.00001.
gnomAD v4.1: 3 of 1,594,102 alleles (0.00019%); highest among the groups gnomAD compares: South Asian, 0.0011%; no homozygotes.

Submission:

Brotman Baty Institute, University of Washington
No classification provided (evidence only). Condition: Breast-ovarian cancer, familial 1. Review status: no classification provided. Collection method: in vitro. Allele origin: not applicable. Functional consequence: functionally_normal.
ClinVar note: "not provided" was previously submitted as the classification for the variant. However, the classification appeared to be based only on an observation of functional data so it was converted to no classification on 2025-07-30.

NM_007294.4(BRCA1):c.5153-25C>A

Gene: BRCA1 (BRCA1 DNA repair associated; minus strand). Cytogenetic location: 17q21.31.
Variant type: single nucleotide variant.
Coding change: c.5153-25C>A on transcript NM_007294.4 (MANE Select); 25 bases into the intron before coding-DNA position 5153, C replaced by A.
Molecular consequence: intron variant.
Genome position (GRCh38, 1-based): chr17:43,063,398, G>T on the plus strand (C>A on the coding strand, the complement: BRCA1 is on the minus strand). VCF-style: chr17-43063398-G-T. GRCh37 (hg19) VCF-style: chr17-41215415-G-T.
Other names: c.1580-25C>A (NM_001408497.1, NM_001408496.1, NM_001408499.1 and 3 more transcripts); c.1844-25C>A (NM_001407973.1, NM_001407975.1, NM_001407978.1 and 3 more transcripts); c.5153-25C>A (NM_001407596.1, NM_001407602.1, NM_001407597.1 and 7 more transcripts); c.4265-25C>A (NM_001407966.1); c.4766-25C>A (NM_001407963.1); c.1460-25C>A (NM_001408511.1); c.1703-25C>A (NM_001408457.1, NM_001408454.1, NM_001408456.1 and 3 more transcripts); c.5012-25C>A (NM_001407692.1, NM_001407729.1, NM_001407698.1 and 13 more transcripts); and 72 more.
Identifiers: ClinVar variation 867721 (VCV000867721.3), dbSNP rs1458162596, ClinGen allele CA626080647.